The following is an entry in ClinVar:

NM_024818.6(UBA5):c.767C>T (p.Thr256Ile)

Genes: NPHP3-ACAD11 (NPHP3-ACAD11 readthrough (NMD candidate); minus strand), UBA5 (ubiquitin like modifier activating enzyme 5; plus strand). Cytogenetic location: 3q22.1.
Variant type: single nucleotide variant.
Coding change: c.767C>T on transcript NM_024818.6 (MANE Select); coding-DNA position 767, C replaced by T.
Protein change: p.Thr256Ile; replaces threonine 256 with isoleucine.
Molecular consequence: missense variant.
Genome position (GRCh38, 1-based): chr3:132,672,132, C>T. VCF-style: chr3-132672132-C-T. GRCh37 (hg19) VCF-style: chr3-132390976-C-T.
Other names: c.599C>T, p.Thr200Ile (NM_001320210.2, NM_198329.4); c.497C>T, p.Thr166Ile (NM_001321238.2); c.431C>T, p.Thr144Ile (NM_001321239.1); short protein forms T144I, T200I, T166I, T256I.
Identifiers: ClinVar variation 2005304 (VCV002005304.4), dbSNP rs1938633385, ClinGen allele CA354574772.

ClinVar aggregate classification (germline): Uncertain significance (1 of 4 stars; one submission).

Submission:

Labcorp Genetics (formerly Invitae), Labcorp
Classification: Uncertain significance. Last evaluated: 2022-06-12. Review status: criteria provided, single submitter. Criteria: Invitae Variant Classification Sherloc (09022015). Collection method: clinical testing. Allele origin: germline.
Comment: In summary, the available evidence is currently insufficient to determine the role of this variant in disease. Therefore, it has been classified as a Variant of Uncertain Significance. Algorithms developed to predict the effect of missense changes on protein structure and function are either unavailable or do not agree on the potential impact of this missense change (SIFT: "Not Available"; PolyPhen-2: "Possibly Damaging"; Align-GVGD: "Not Available"). This variant has not been reported in the literature in individuals affected with UBA5-related conditions. This variant is not present in population databases (gnomAD no frequency). This sequence change replaces threonine, which is neutral and polar, with isoleucine, which is neutral and non-polar, at codon 256 of the UBA5 protein (p.Thr256Ile).